The following is an entry in ClinVar:

NM_000487.6(ARSA):c.867G>A (p.Met289Ile)

Gene: ARSA (arylsulfatase A; minus strand). Cytogenetic location: 22q13.33.
Variant type: single nucleotide variant.
Coding change: c.867G>A on transcript NM_000487.6 (MANE Select); coding-DNA position 867, G replaced by A.
Protein change: p.Met289Ile; replaces methionine 289 with isoleucine.
Molecular consequence: missense variant.
Genome position (GRCh38, 1-based): chr22:50,626,266, C>T on the plus strand (G>A on the coding strand, the complement: ARSA is on the minus strand). VCF-style: chr22-50626266-C-T. GRCh37 (hg19) VCF-style: chr22-51064694-C-T.
Other names: c.867G>A, p.Met289Ile (NM_001085425.3, NM_001085426.3, NM_001085427.3); c.609G>A, p.Met203Ile (NM_001085428.3, NM_001362782.2); short protein forms M289I, M203I.
Identifiers: ClinVar variation 580537 (VCV000580537.7), dbSNP rs761919002, ClinGen allele CA10324890.

ClinVar aggregate classification (germline): Uncertain significance. Review status: criteria provided, single submitter (1 of 4 stars). 2 submissions from 2 submitters: Uncertain significance (1). 1 of the submissions does not count toward it. Last evaluated 2022-02-09.

Conditions:
Metachromatic leukodystrophy (MLD). Also called: Arylsulfatase A Deficiency; SULFATIDE LIPIDOSIS; ARSA DEFICIENCY; CEREBROSIDE SULFATASE DEFICIENCY; METACHROMATIC LEUKOENCEPHALOPATHY; Cerebral sclerosis diffuse metachromatic form. Identifiers: Orphanet 512, MedGen C0023522, MONDO:0018868, OMIM 250100.

Allele frequency attached by ClinVar (database versions not stated): gnomAD exomes below 0.00001 and 0.00001; TOPMed below 0.00001; ExAC 0.00001; gnomAD 0.00001.
gnomAD v4.1: 3 of 1,613,044 alleles (0.00019%); highest among the groups gnomAD compares: Admixed American, 0.0033%; no homozygotes.

Submissions (2):

Labcorp Genetics (formerly Invitae), Labcorp
Classification: Uncertain significance for Metachromatic leukodystrophy. Last evaluated: 2022-02-09. Review status: criteria provided, single submitter. Criteria: Invitae Variant Classification Sherloc (09022015). Collection method: clinical testing. Allele origin: germline.
Comment: This sequence change replaces methionine, which is neutral and non-polar, with isoleucine, which is neutral and non-polar, at codon 289 of the ARSA protein (p.Met289Ile). The frequency data for this variant in the population databases is considered unreliable, as metrics indicate poor data quality at this position in the gnomAD database. This variant has not been reported in the literature in individuals affected with ARSA-related conditions. ClinVar contains an entry for this variant (Variation ID: 580537). Advanced modeling of protein sequence and biophysical properties (such as structural, functional, and spatial information, amino acid conservation, physicochemical variation, residue mobility, and thermodynamic stability) performed at Invitae indicates that this missense variant is expected to disrupt ARSA protein function. Algorithms developed to predict the effect of sequence changes on RNA splicing suggest that this variant is not likely to affect RNA splicing. In summary, the available evidence is currently insufficient to determine the role of this variant in disease. Therefore, it has been classified as a Variant of Uncertain Significance.

Natera, Inc.
Classification: Uncertain significance for Metachromatic leukodystrophy. Last evaluated: 2019-10-28. Review status: no assertion criteria provided. Collection method: clinical testing. Allele origin: germline. Not counted in ClinVar's aggregate classification.